The following is an entry in ClinVar:

ClinVar aggregate classification (germline): Conflicting classifications of pathogenicity. Review status: criteria provided, conflicting classifications (1 of 4 stars). 3 submissions from 3 submitters: Uncertain significance (2); Likely benign (1). Last evaluated 2025-12-22.

Conditions:
Joubert syndrome. Also called: JOUBERT-BOLTSHAUSER SYNDROME; Familial aplasia of the vermis. Identifiers: Orphanet 475, MedGen C5979921, MONDO:0018772.
Inborn genetic diseases. Identifiers: MedGen C0950123, MeSH D030342.

Allele frequency attached by ClinVar (database versions not stated): gnomAD 0.00005; gnomAD exomes 0.00002; ExAC 0.00002; TOPMed 0.00006.
gnomAD v4.1: 31 of 1,613,818 alleles (0.0019%); highest among the groups gnomAD compares: African/African-American, 0.02%; 1 homozygote.

Submissions (3):

Ambry Genetics
Classification: Likely benign for Inborn genetic diseases. Last evaluated: 2025-12-22. Review status: criteria provided, single submitter. Criteria: Ambry Variant Classification Scheme 2023. Collection method: clinical testing. Allele origin: germline.

Labcorp Genetics (formerly Invitae), Labcorp
Classification: Uncertain significance for Joubert syndrome. Last evaluated: 2022-06-08. Review status: criteria provided, single submitter. Criteria: Invitae Variant Classification Sherloc (09022015). Collection method: clinical testing. Allele origin: germline.
Comment: This sequence change replaces valine, which is neutral and non-polar, with isoleucine, which is neutral and non-polar, at codon 165 of the AHI1 protein (p.Val165Ile). This variant is present in population databases (rs755936005, gnomAD 0.02%). This variant has not been reported in the literature in individuals affected with AHI1-related conditions. ClinVar contains an entry for this variant (Variation ID: 389322). Advanced modeling of protein sequence and biophysical properties (such as structural, functional, and spatial information, amino acid conservation, physicochemical variation, residue mobility, and thermodynamic stability) performed at Invitae indicates that this missense variant is not expected to disrupt AHI1 protein function. In summary, the available evidence is currently insufficient to determine the role of this variant in disease. Therefore, it has been classified as a Variant of Uncertain Significance.

GeneDx
Classification: Uncertain significance. Last evaluated: 2016-09-21. Review status: criteria provided, single submitter. Criteria: GeneDx Variant Classification (06012015). Collection method: clinical testing. Allele origin: germline. Affected: yes.
Comment: A variant of uncertain significance has been identified in the AHI1 gene. The V165I variant has not been published as a pathogenic variant, nor has it been reported as a benign variant to our knowledge. It was not observed in approximately 6,100 individuals of European and African American ancestry in the NHLBI Exome Sequencing Project, indicating it is not a common benign variant in these populations. The V165I variant is a conservative amino acid substitution, which is not likely to impact secondary protein structure as these residues share similar properties. Addiitonally, this substitution occurs at a position that is not conserved, and in silico analysis predicts this variant likely does not alter the protein structure/function. Therefore, based on the currently available information, it is unclear whether this variant is a pathogenic variant or a rare benign variant.

NM_001134831.2(AHI1):c.493G>A (p.Val165Ile)

Gene: AHI1 (Abelson helper integration site 1; minus strand). Cytogenetic location: 6q23.3.
Variant type: single nucleotide variant.
Coding change: c.493G>A on transcript NM_001134831.2 (MANE Select); coding-DNA position 493, G replaced by A.
Protein change: p.Val165Ile; replaces valine 165 with isoleucine.
Molecular consequence: missense variant.
Genome position (GRCh38, 1-based): chr6:135,466,070, C>T on the plus strand (G>A on the coding strand, the complement: AHI1 is on the minus strand). VCF-style: chr6-135466070-C-T. GRCh37 (hg19) VCF-style: chr6-135787208-C-T.
Other names: c.493G>A, p.Val165Ile (NM_001134830.2, NM_001134832.2, NM_001350503.2 and 2 more transcripts); short protein forms V165I.
Identifiers: ClinVar variation 389322 (VCV000389322.8), dbSNP rs755936005, ClinGen allele CA4012820.